The following is an entry in ClinVar:

NM_001458.5(FLNC):c.3648C>G (p.Tyr1216Ter)

Gene: FLNC (filamin C; plus strand). Cytogenetic location: 7q32.1.
Variant type: single nucleotide variant.
Coding change: c.3648C>G on transcript NM_001458.5 (MANE Select); coding-DNA position 3648, C replaced by G.
Protein change: p.Tyr1216Ter; replaces tyrosine 1216 with a stop codon.
Molecular consequence: nonsense.
Genome position (GRCh38, 1-based): chr7:128,845,113, C>G. VCF-style: chr7-128845113-C-G. GRCh37 (hg19) VCF-style: chr7-128485167-C-G.
Other names: c.3648C>G, p.Tyr1216Ter (NM_001127487.2); short protein forms Y1216*.
Identifiers: ClinVar variation 4812508 (VCV004812508.1).

ClinVar aggregate classification (germline): Pathogenic (1 of 4 stars; one submission).

Conditions:
Hypertrophic cardiomyopathy 26. Also called: Cardiomyopathy, familial hypertrophic, 26. Identifiers: Orphanet 75249, MedGen C4310749, MONDO:0014883, OMIM 617047.
Myofibrillar myopathy 5. Also called: Filaminopathy (type); FILAMINOPATHY, AUTOSOMAL DOMINANT. Identifiers: Orphanet 171445, MedGen C1836050, MONDO:0012289, OMIM 609524.
Distal myopathy with posterior leg and anterior hand involvement. Also called: WILLIAMS DISTAL MYOPATHY. Identifiers: Orphanet 63273, MedGen C3279722, MONDO:0013550, OMIM 614065.

Submission:

Labcorp Genetics (formerly Invitae), Labcorp
Classification: Pathogenic for Distal myopathy with posterior leg and anterior hand involvement; Myofibrillar myopathy 5; Hypertrophic cardiomyopathy 26. Last evaluated: 2025-07-06. Review status: criteria provided, single submitter. Criteria: Invitae Variant Classification Sherloc (09022015). Collection method: clinical testing. Allele origin: germline.
Comment: This sequence change creates a premature translational stop signal (p.Tyr1216*) in the FLNC gene. It is expected to result in an absent or disrupted protein product. Loss-of-function variants in FLNC are known to be pathogenic (PMID: 27908349). This variant is not present in population databases (gnomAD no frequency). This variant has not been reported in the literature in individuals affected with FLNC-related conditions. For these reasons, this variant has been classified as Pathogenic.

Literature cited by the submitters: PubMed 27908349.